The following is an entry in ClinVar:

NM_001277115.2(DNAH11):c.175G>A (p.Val59Met)

Gene: DNAH11 (dynein axonemal heavy chain 11; plus strand). Cytogenetic location: 7p15.3.
Variant type: single nucleotide variant.
Coding change: c.175G>A on transcript NM_001277115.2 (MANE Select); coding-DNA position 175, G replaced by A.
Protein change: p.Val59Met; replaces valine 59 with methionine.
Molecular consequence: missense variant.
Genome position (GRCh38, 1-based): chr7:21,543,420, G>A. VCF-style: chr7-21543420-G-A. GRCh37 (hg19) VCF-style: chr7-21583038-G-A.
Other names: c.175G>A, p.Val59Met (NM_003777.3); short protein forms V59M.
Identifiers: ClinVar variation 2633675 (VCV002633675.4), dbSNP rs1284215510, ClinGen allele CA366931298.
Genomic context (GRCh38, chr7:21,543,420, plus strand): 5'-GAGGAGAACGAGGAGGAGGCGGCGGCCAGGAGAGCGCGGAGTTTCGCCCAAGACGCGCGG[G>A]TGCGCTTCCTCGGCGGCCGCCTGGCGATGATGCTGGGGTTCACGGAGGAGAAATGGAGCC-3'
Protein context (NP_001264044.1, residues 49-69): RARSFAQDAR[Val59Met]RFLGGRLAMM

ClinVar aggregate classification (germline): Conflicting classifications of pathogenicity. Review status: criteria provided, conflicting classifications (1 of 4 stars). 3 submissions from 3 submitters: Uncertain significance (2); Likely benign (1). Last evaluated 2025-12-09.

Conditions:
DNAH11-related disorder. Also called: DNAH11-related condition.
Primary ciliary dyskinesia. Also called: Ciliary dyskinesia. Identifiers: Orphanet 244, MedGen C0008780, MONDO:0016575, HP:0012265.

gnomAD v4.1: 16 of 1,555,476 alleles (0.001%); highest among the groups gnomAD compares: Non-Finnish European, 0.0013%; no homozygotes.

Submissions (3):

Ambry Genetics
Classification: Uncertain significance for Primary ciliary dyskinesia. Last evaluated: 2025-12-09. Review status: criteria provided, single submitter. Criteria: Ambry Variant Classification Scheme 2023. Collection method: clinical testing. Allele origin: germline.

PreventionGenetics, part of Exact Sciences
Classification: Uncertain significance for DNAH11-related condition. Last evaluated: 2023-05-04. Review status: criteria provided, single submitter. Criteria: ACMG Guidelines, 2015. Collection method: clinical testing. Allele origin: germline.
Comment: The DNAH11 c.175G>A variant is predicted to result in the amino acid substitution p.Val59Met. To our knowledge, this variant has not been reported in the literature. This variant is reported in 0.0016% of alleles in individuals of European (Non-Finnish) descent in gnomAD. At this time, the clinical significance of this variant is uncertain due to the absence of conclusive functional and genetic evidence.

Labcorp Genetics (formerly Invitae), Labcorp
Classification: Likely benign for Primary ciliary dyskinesia. Last evaluated: 2023-02-25. Review status: criteria provided, single submitter. Criteria: Invitae Variant Classification Sherloc (09022015). Collection method: clinical testing. Allele origin: germline.